The following is an entry in ClinVar:

NM_000751.3(CHRND):c.80G>A (p.Arg27Gln)

Gene: CHRND (cholinergic receptor nicotinic delta subunit; plus strand). Cytogenetic location: 2q37.1.
Variant type: single nucleotide variant.
Coding change: c.80G>A on transcript NM_000751.3 (MANE Select); coding-DNA position 80, G replaced by A.
Protein change: p.Arg27Gln; replaces arginine 27 with glutamine.
Molecular consequence: missense variant. On other transcripts: 5 prime UTR variant (2).
Genome position (GRCh38, 1-based): chr2:232,526,556, G>A. VCF-style: chr2-232526556-G-A. GRCh37 (hg19) VCF-style: chr2-233391266-G-A.
Other names: c.80G>A, p.Arg27Gln (NM_001256657.2); c.-192G>A (NM_001311195.2, NM_001311196.2); short protein forms R27Q.
Identifiers: ClinVar variation 1417728 (VCV001417728.9), dbSNP rs143002322, ClinGen allele CA2167893.

ClinVar aggregate classification (germline): Uncertain significance. Review status: criteria provided, multiple submitters, no conflicts (2 of 4 stars). 2 submissions from 2 submitters: Uncertain significance (2). Last evaluated 2025-02-19.

Conditions:
Congenital myasthenic syndrome 3B (CMS3B). Also called: Myasthenic syndrome, congenital, 3B, fast-channel. Identifiers: Orphanet 590, MedGen C4225371, MONDO:0014584, OMIM 616322.
Lethal multiple pterygium syndrome (LMPS). Identifiers: Orphanet 33108, MedGen C1854678, MONDO:0009668, OMIM 253290.

Allele frequency attached by ClinVar (database versions not stated): ExAC 0.00002; gnomAD exomes 0.00002; gnomAD 0.00005 and 0.00006; TOPMed 0.00005; ESP Exome Variant Server 0.00008.

Submissions (2):

Labcorp Genetics (formerly Invitae), Labcorp
Classification: Uncertain significance for Lethal multiple pterygium syndrome. Last evaluated: 2025-02-19. Review status: criteria provided, single submitter. Criteria: Invitae Variant Classification Sherloc (09022015). Collection method: clinical testing. Allele origin: germline.
Comment: This sequence change replaces arginine, which is basic and polar, with glutamine, which is neutral and polar, at codon 27 of the CHRND protein (p.Arg27Gln). This variant is present in population databases (rs143002322, gnomAD 0.008%). This variant has not been reported in the literature in individuals affected with CHRND-related conditions. ClinVar contains an entry for this variant (Variation ID: 1417728). Invitae Evidence Modeling of protein sequence and biophysical properties (such as structural, functional, and spatial information, amino acid conservation, physicochemical variation, residue mobility, and thermodynamic stability) indicates that this missense variant is not expected to disrupt CHRND protein function with a negative predictive value of 95%. In summary, the available evidence is currently insufficient to determine the role of this variant in disease. Therefore, it has been classified as a Variant of Uncertain Significance.

3billion
Classification: Uncertain significance for Congenital myasthenic syndrome 3B. Last evaluated: 2022-09-01. Review status: criteria provided, single submitter. Criteria: ACMG Guidelines, 2015. Collection method: clinical testing. Allele origin: germline. Affected: yes. Observed: 1 heterozygote.
Comment: The variant is observed at an extremely low frequency in the gnomAD v2.1.1 dataset (total allele frequency: 0.002%). In silico tool predictions suggest damaging effect of the variant on gene or gene product (REVEL: 0.65; 3Cnet: 0.03). Therefore, this variant is classified as uncertain significance according to the recommendation of ACMG/AMP guideline.